The following is an entry in ClinVar:

NM_000179.3(MSH6):c.648_649delinsTT (p.Asp217Tyr)

Gene: MSH6 (mutS homolog 6; plus strand). Cytogenetic location: 2p16.3.
Variant type: Indel.
Coding change: c.648_649delinsTT on transcript NM_000179.3 (MANE Select); coding-DNA positions 648 to 649, AG replaced by TT.
Protein change: p.Asp217Tyr; replaces aspartic acid 217 with tyrosine.
Molecular consequence: missense variant. On other transcripts: 5 prime UTR variant (2).
Genome position (GRCh38, 1-based): chr2:47,798,631-47,798,632, AG replaced by TT. VCF-style: chr2-47798631-AG-TT. GRCh37 (hg19) VCF-style: chr2-48025770-AG-TT.
Other names: c.258_259delinsTT, p.Asp87Tyr (NM_001281492.2); c.-259_-258delinsTT (NM_001281493.2, NM_001281494.2); c.648_649delAGinsTT (NM_000179.2); short protein forms D87Y, D217Y.
Identifiers: ClinVar variation 89548 (VCV000089548.27), dbSNP rs63750471, ClinGen allele CA016118.

ClinVar aggregate classification (germline): Conflicting classifications of pathogenicity. Review status: criteria provided, conflicting classifications (1 of 4 stars). 8 submissions from 8 submitters: Uncertain significance (7); Likely benign (1). Last evaluated 2025-11-04.

Conditions:
Hereditary cancer-predisposing syndrome. Also called: Tumor predisposition; Hereditary Cancer Syndrome; Hereditary neoplastic syndrome; Neoplastic Syndromes, Hereditary. Identifiers: Orphanet 140162, MedGen C0027672, MeSH D009386, MONDO:0015356.
Mismatch repair cancer syndrome 3. Identifiers: MedGen C5436807, MONDO:0030841, OMIM 619097.
Endometrial carcinoma. Also called: Endometrial carcinoma, somatic. Identifiers: MedGen C0476089, MONDO:0002447, OMIM 608089, HP:0012114.
Lynch syndrome 5 (LYNCH5). Also called: Colorectal cancer, hereditary nonpolyposis, type 5; Hereditary non-polyposis colorectal cancer, type 5. Identifiers: Orphanet 144, MedGen C1833477, MONDO:0013710, OMIM 614350. Disease mechanism: loss of function.
Hereditary nonpolyposis colorectal neoplasms. Identifiers: MedGen C0009405, MeSH D003123.

Submissions (8):

Labcorp Genetics (formerly Invitae), Labcorp
Classification: Likely benign for Hereditary nonpolyposis colorectal neoplasms. Last evaluated: 2025-11-04. Review status: criteria provided, single submitter. Criteria: Invitae Variant Classification Sherloc (09022015). Collection method: clinical testing. Allele origin: germline.

Quest Diagnostics Nichols Institute San Juan Capistrano
Classification: Uncertain significance. Last evaluated: 2025-07-14. Review status: criteria provided, single submitter. Criteria: Quest Diagnostics criteria. Collection method: clinical testing. Allele origin: unknown.
Comment: The MSH6 c.648_649delinsTT (p.Asp217Tyr) variant has been reported in the published literature in an individual with rectal cancer (PMID: 16940983 (2006)). In a large-scale breast cancer association study, this variant has been observed in breast cancer cases (PMID: 33471991 (2021), see also LOVD). The frequency of this variant in the general population (Genome Aggregation Database) is uninformative in the assessment of its pathogenicity. Based on the available information, we are unable to determine the clinical significance of this variant.

Ambry Genetics
Classification: Uncertain significance for Hereditary cancer-predisposing syndrome. Last evaluated: 2025-01-28. Review status: criteria provided, single submitter. Criteria: Ambry Variant Classification Scheme 2023. Collection method: clinical testing. Allele origin: germline.
Comment: The c.648_649delAGinsTT variant (also known as p.D217Y), located in coding exon 4 of the MSH6 gene, results from an in-frame deletion of AG and insertion of TT at nucleotide positions 648 to 649. This results in the substitution of the aspartic acid residue for a tyrosine residue at codon 217, an amino acid with highly dissimilar properties. This amino acid position is not well conserved in available vertebrate species. In addition, the in silico prediction for this alteration is inconclusive (Choi Y et al. PLoS ONE. 2012; 7(10):e46688). Based on the available evidence, the clinical significance of this variant remains unclear.

Fulgent Genetics
Classification: Uncertain significance for Endometrial carcinoma; Lynch syndrome 5; Mismatch repair cancer syndrome 3. Last evaluated: 2024-04-13. Review status: criteria provided, single submitter. Criteria: ACMG Guidelines, 2015. Collection method: clinical testing. Allele origin: germline.

Baylor Genetics
Classification: Uncertain significance for Endometrial carcinoma. Last evaluated: 2023-10-03. Review status: criteria provided, single submitter. Criteria: ACMG Guidelines, 2015. Collection method: clinical testing. Allele origin: unknown.

Color Diagnostics, LLC DBA Color Health
Classification: Uncertain significance for Hereditary cancer-predisposing syndrome. Last evaluated: 2022-03-22. Review status: criteria provided, single submitter. Criteria: ACMG Guidelines, 2015. Collection method: clinical testing. Allele origin: germline.
Comment: This missense variant replaces aspartic acid with tyrosine at codon 217 of the MSH6 protein. Computational prediction is inconclusive regarding the impact of this variant on protein structure and function (internally defined REVEL score threshold 0.5 < inconclusive < 0.7, PMID: 27666373). Splice site prediction tools suggest that this variant may not impact RNA splicing. To our knowledge, functional studies have not been performed for this variant. This variant has been reported in an individual affected with an early-onset colorectal cancer (PMID: 16940983). This variant has been identified in 3/247652 chromosomes in the general population by the Genome Aggregation Database (gnomAD). The available evidence is insufficient to determine the role of this variant in disease conclusively. Therefore, this variant is classified as a Variant of Uncertain Significance.

GeneDx
Classification: Uncertain significance. Last evaluated: 2021-09-21. Review status: criteria provided, single submitter. Criteria: GeneDx Variant Classification Process June 2021. Collection method: clinical testing. Allele origin: germline. Affected: yes.
Comment: Not observed at a significant frequency in large population cohorts (Lek 2016); In silico analysis supports a deleterious effect on protein structure/function; This variant is associated with the following publications: (PMID: 23621914, 26333163, 16940983)

PreventionGenetics, part of Exact Sciences
Classification: Uncertain significance. Last evaluated: 2017-08-18. Review status: criteria provided, single submitter. Criteria: ACMG Guidelines, 2015. Collection method: clinical testing. Allele origin: germline.

Literature cited by the submitters: PubMed 33471991 (cited by Quest Diagnostics Nichols Institute San Juan Capistrano); PubMed 16940983 (cited by 3 submitters).